The following is an entry in ClinVar:

ClinVar aggregate classification (germline): Uncertain significance. Review status: criteria provided, multiple submitters, no conflicts (2 of 4 stars). 2 submissions from 2 submitters: Uncertain significance (2). Last evaluated 2022-04-09.

Conditions:
Familial sleep-related hypermotor epilepsy. Also called: Autosomal Dominant Sleep-Related Hypermotor (Hyperkinetic) Epilepsy. Identifiers: Orphanet 98784, MedGen C3696898, MONDO:0000030.

Submissions (2):

GeneDx
Classification: Uncertain significance. Last evaluated: 2022-04-09. Review status: criteria provided, single submitter. Criteria: GeneDx Variant Classification Process June 2021. Collection method: clinical testing. Allele origin: germline. Affected: yes.
Comment: Not observed at significant frequency in large population cohorts (gnomAD); Frameshift variant predicted to result in protein truncation or nonsense mediated decay in a gene or region of a gene for which loss of function is not a well-established mechanism of disease; Has not been previously published as pathogenic or benign to our knowledge

Labcorp Genetics (formerly Invitae), Labcorp
Classification: Uncertain significance. Last evaluated: 2019-12-27. Review status: criteria provided, single submitter. Criteria: Invitae Variant Classification Sherloc (09022015). Collection method: clinical testing. Allele origin: germline.
Comment: This sequence change creates a premature translational stop signal (p.Pro403Leufs*162) in the CHRNA4 gene. It is expected to result in an absent or disrupted protein product. This variant has not been reported in the literature in individuals with CHRNA4-related conditions. The current clinical and genetic evidence is not sufficient to establish whether loss-of-function variants in CHRNA4 cause disease. The frequency data for this variant in the population databases is not available, as this variant may be reported as separate entries in the ExAC database. In summary, the available evidence is currently insufficient to determine the role of this variant in disease. Therefore, it has been classified as a Variant of Uncertain Significance.

NM_000744.7(CHRNA4):c.1208_1209delinsT (p.Pro403fs)

Gene: CHRNA4 (cholinergic receptor nicotinic alpha 4 subunit; minus strand). Cytogenetic location: 20q13.33.
Variant type: Indel.
Coding change: c.1208_1209delinsT on transcript NM_000744.7 (MANE Select); coding-DNA positions 1208 to 1209, CG replaced by T.
Protein change: p.Pro403fs; shifts the reading frame from proline 403.
Molecular consequence: frameshift variant. On other transcripts: non-coding transcript variant (1).
Genome position (GRCh38, 1-based): chr20:63,350,202-63,350,203, CG replaced by A on the plus strand (CG replaced by T on the coding strand, the reverse complement: CHRNA4 is on the minus strand). VCF-style: chr20-63350202-CG-A. GRCh37 (hg19) VCF-style: chr20-61981554-CG-A.
Other names: c.680_681delinsT, p.Pro227fs (NM_001256573.2); short protein forms P403fs, P227fs.
Identifiers: ClinVar variation 969516 (VCV000969516.9), dbSNP rs2068566927, ClinGen allele CA1139666783.